The following is an entry in ClinVar:

NM_007118.4(TRIO):c.649A>G (p.Arg217Gly)

Gene: TRIO (trio Rho guanine nucleotide exchange factor; plus strand). Cytogenetic location: 5p15.2.
Variant type: single nucleotide variant.
Coding change: c.649A>G on transcript NM_007118.4 (MANE Select); coding-DNA position 649, A replaced by G.
Protein change: p.Arg217Gly; replaces arginine 217 with glycine.
Molecular consequence: missense variant. On other transcripts: non-coding transcript variant (1).
Genome position (GRCh38, 1-based): chr5:14,290,824, A>G. VCF-style: chr5-14290824-A-G. GRCh37 (hg19) VCF-style: chr5-14290933-A-G.
Other names: short protein forms R217G.
Identifiers: ClinVar variation 4083347 (VCV004083347.1).
Genomic context (GRCh38, chr5:14,290,824, plus strand): 5'-CAGCTAACTCCTGAGTTTGATGGCTGCCTGGAATACAACCACGAAGAATGGATTGAAATC[A>G]GAGTTGCTTTTGAAGACTACATTAGCAATGCCACCCACATGCTGTCTCGGCTGGAGGAAC-3'
Protein context (NP_009049.2, residues 207-227): EYNHEEWIEI[Arg217Gly]VAFEDYISNA

ClinVar aggregate classification (germline): Uncertain significance (1 of 4 stars; one submission).

Submission:

GeneDx
Classification: Uncertain significance. Last evaluated: 2025-03-13. Review status: criteria provided, single submitter. Criteria: GeneDx Variant Classification Process June 2021. Collection method: clinical testing. Allele origin: germline. Affected: yes.
Comment: Not observed at significant frequency in large population cohorts (gnomAD); In silico analysis supports that this missense variant has a deleterious effect on protein structure/function; Has not been previously published as pathogenic or benign to our knowledge